The following is an entry in ClinVar:

ClinVar aggregate classification (germline): Uncertain significance. Review status: criteria provided, multiple submitters, no conflicts (2 of 4 stars). 2 submissions from 2 submitters: Uncertain significance (2). Last evaluated 2025-01-11.

Conditions:
Epileptic encephalopathy. Identifiers: MedGen C0543888, HP:0200134.

Allele frequency attached by ClinVar (database versions not stated): gnomAD exomes 0.00005 and 0.00002; TOPMed 0.00005; gnomAD 0.00004 and 0.00005; ExAC 0.00009; 1000 Genomes Project 30x 0.00016; 1000 Genomes Project 0.00020.
gnomAD v4.1: 41 of 1,609,416 alleles (0.0025%); highest among the groups gnomAD compares: Middle Eastern, 0.033%; no homozygotes.

Submissions (2):

Labcorp Genetics (formerly Invitae), Labcorp
Classification: Uncertain significance for Epileptic encephalopathy. Last evaluated: 2025-01-11. Review status: criteria provided, single submitter. Criteria: Invitae Variant Classification Sherloc (09022015). Collection method: clinical testing. Allele origin: germline.
Comment: This sequence change replaces valine, which is neutral and non-polar, with methionine, which is neutral and non-polar, at codon 434 of the FASN protein (p.Val434Met). This variant is present in population databases (rs539939995, gnomAD 0.02%). This variant has not been reported in the literature in individuals affected with FASN-related conditions. ClinVar contains an entry for this variant (Variation ID: 650244). An algorithm developed to predict the effect of missense changes on protein structure and function (PolyPhen-2) suggests that this variant is likely to be tolerated. In summary, the available evidence is currently insufficient to determine the role of this variant in disease. Therefore, it has been classified as a Variant of Uncertain Significance.

Ambry Genetics
Classification: Uncertain significance. Last evaluated: 2023-12-17. Review status: criteria provided, single submitter. Criteria: Ambry Variant Classification Scheme 2023. Collection method: clinical testing. Allele origin: germline.

NM_004104.5(FASN):c.1300G>A (p.Val434Met)

Gene: FASN (fatty acid synthase; minus strand). Cytogenetic location: 17q25.3.
Variant type: single nucleotide variant.
Coding change: c.1300G>A on transcript NM_004104.5 (MANE Select); coding-DNA position 1300, G replaced by A.
Protein change: p.Val434Met; replaces valine 434 with methionine.
Molecular consequence: missense variant.
Genome position (GRCh38, 1-based): chr17:82,091,414, C>T on the plus strand (G>A on the coding strand, the complement: FASN is on the minus strand). VCF-style: chr17-82091414-C-T. GRCh37 (hg19) VCF-style: chr17-80049290-C-T.
Other names: short protein forms V434M.
Identifiers: ClinVar variation 650244 (VCV000650244.8), dbSNP rs539939995, ClinGen allele CA8853200.